The following is an entry in ClinVar:

ClinVar aggregate classification (germline): Uncertain significance (1 of 4 stars; one submission).

Conditions:
Tuberous sclerosis 2 (TSC2). Identifiers: Orphanet 805, MedGen C1860707, MONDO:0013199, OMIM 613254.

Submission:

Labcorp Genetics (formerly Invitae), Labcorp
Classification: Uncertain significance for Tuberous sclerosis 2. Last evaluated: 2024-08-06. Review status: criteria provided, single submitter. Criteria: Invitae Variant Classification Sherloc (09022015). Collection method: clinical testing. Allele origin: germline.
Comment: This sequence change replaces glycine, which is neutral and non-polar, with alanine, which is neutral and non-polar, at codon 1577 of the TSC2 protein (p.Gly1577Ala). This variant is not present in population databases (gnomAD no frequency). This variant has not been reported in the literature in individuals affected with TSC2-related conditions. Advanced modeling of protein sequence and biophysical properties (such as structural, functional, and spatial information, amino acid conservation, physicochemical variation, residue mobility, and thermodynamic stability) performed at Invitae indicates that this missense variant is not expected to disrupt TSC2 protein function with a negative predictive value of 95%. In summary, the available evidence is currently insufficient to determine the role of this variant in disease. Therefore, it has been classified as a Variant of Uncertain Significance.

NM_000548.5(TSC2):c.4730G>C (p.Gly1577Ala)

Gene: TSC2 (TSC complex subunit 2; plus strand). Cytogenetic location: 16p13.3.
Variant type: single nucleotide variant.
Coding change: c.4730G>C on transcript NM_000548.5 (MANE Select); coding-DNA position 4730, G replaced by C.
Protein change: p.Gly1577Ala; replaces glycine 1577 with alanine.
Molecular consequence: missense variant. On other transcripts: non-coding transcript variant (5).
Genome position (GRCh38, 1-based): chr16:2,086,260, G>C. VCF-style: chr16-2086260-G-C. GRCh37 (hg19) VCF-style: chr16-2136261-G-C.
Other names: c.4529G>C, p.Gly1510Ala (NM_001077183.3); c.4661G>C, p.Gly1554Ala (NM_001114382.3); c.4421G>C, p.Gly1474Ala (NM_001318827.2); c.4385G>C, p.Gly1462Ala (NM_001318829.2); c.3998G>C, p.Gly1333Ala (NM_001318831.2); c.4562G>C, p.Gly1521Ala (NM_001318832.2); c.4532G>C, p.Gly1511Ala (NM_001363528.2); c.4598G>C, p.Gly1533Ala (NM_001370404.1); and 26 more; short protein forms G1311A, G1333A, G1357A, G1462A, G1504A, G1510A, G1533A, G1553A.
Identifiers: ClinVar variation 3637248 (VCV003637248.2).